The following is an entry in ClinVar:

NM_022089.4(ATP13A2):c.212G>C (p.Trp71Ser)

Gene: ATP13A2 (ATPase cation transporting 13A2; minus strand). Cytogenetic location: 1p36.13.
Variant type: single nucleotide variant.
Coding change: c.212G>C on transcript NM_022089.4 (MANE Select); coding-DNA position 212, G replaced by C.
Protein change: p.Trp71Ser; replaces tryptophan 71 with serine.
Molecular consequence: missense variant.
Genome position (GRCh38, 1-based): chr1:17,005,450, C>G on the plus strand (G>C on the coding strand, the complement: ATP13A2 is on the minus strand). VCF-style: chr1-17005450-C-G. GRCh37 (hg19) VCF-style: chr1-17331945-C-G.
Other names: c.212G>C, p.Trp71Ser (NM_001141973.3, NM_001141974.3); short protein forms W71S.
Identifiers: ClinVar variation 1045786 (VCV001045786.4), dbSNP rs373607247, ClinGen allele CA637731.

ClinVar aggregate classification (germline): Uncertain significance. Review status: criteria provided, multiple submitters, no conflicts (2 of 4 stars). 2 submissions from 2 submitters: Uncertain significance (2). Last evaluated 2025-06-24.

Conditions:
Autosomal recessive spastic paraplegia type 78. Identifiers: Orphanet 513436, MedGen C5567893, MONDO:0014975, OMIM 617225.
Kufor-Rakeb syndrome (KRS). Also called: PARKINSON DISEASE 9, AUTOSOMAL RECESSIVE, JUVENILE-ONSET. Identifiers: Orphanet 306674, Orphanet 314632, MedGen C1847640, MONDO:0011706, OMIM 606693.

Allele frequency attached by ClinVar (database versions not stated): TOPMed 0.00002; ESP Exome Variant Server 0.00008.
gnomAD v4.1: 45 of 1,614,064 alleles (0.0028%); highest among the groups gnomAD compares: Admixed American, 0.02%; no homozygotes.

Submissions (2):

Women's Health and Genetics/Laboratory Corporation of America, LabCorp
Classification: Uncertain significance. Last evaluated: 2025-06-24. Review status: criteria provided, single submitter. Criteria: LabCorp Variant Classification Summary - May 2015. Collection method: clinical testing. Allele origin: germline.
Comment: Variant summary: ATP13A2 c.212G>C (p.Trp71Ser) results in a non-conservative amino acid change in the encoded protein sequence. Algorithms developed to predict the effect of missense changes on protein structure and function are either unavailable or do not agree on the potential impact of this missense change. The variant allele was found at a frequency of 6.8e-05 in 248224 control chromosomes. This frequency is not significantly higher than estimated for a pathogenic variant in ATP13A2 causing Kufor-Rakeb syndrome (6.8e-05 vs 0.0011), allowing no conclusion about variant significance. c.212G>C has been observed in individual(s) with clinical symptoms of Kufor-Rakeb syndrome (Chatterjee_2018). These report(s) do not provide unequivocal conclusions about association of the variant with Kufor-Rakeb syndrome. To our knowledge, no experimental evidence demonstrating an impact on protein function has been reported. The following publication have been ascertained in the context of this evaluation (PMID: 29606608). ClinVar contains an entry for this variant (Variation ID: 1045786). Based on the evidence outlined above, the variant was classified as uncertain significance.

Labcorp Genetics (formerly Invitae), Labcorp
Classification: Uncertain significance for Kufor-Rakeb syndrome; Autosomal recessive spastic paraplegia type 78. Last evaluated: 2022-07-04. Review status: criteria provided, single submitter. Criteria: Invitae Variant Classification Sherloc (09022015). Collection method: clinical testing. Allele origin: germline.
Comment: In summary, the available evidence is currently insufficient to determine the role of this variant in disease. Therefore, it has been classified as a Variant of Uncertain Significance. Algorithms developed to predict the effect of missense changes on protein structure and function are either unavailable or do not agree on the potential impact of this missense change (SIFT: "Deleterious"; PolyPhen-2: "Probably Damaging"; Align-GVGD: "Class C0"). ClinVar contains an entry for this variant (Variation ID: 1045786). This variant has not been reported in the literature in individuals affected with ATP13A2-related conditions. This variant is present in population databases (rs373607247, gnomAD 0.03%). This sequence change replaces tryptophan, which is neutral and slightly polar, with serine, which is neutral and polar, at codon 71 of the ATP13A2 protein (p.Trp71Ser).

Literature cited by the submitters: PubMed 29606608 (cited by Women's Health and Genetics/Laboratory Corporation of America, LabCorp).